The following is an entry in ClinVar:

ClinVar aggregate classification (germline): Uncertain significance. Review status: criteria provided, multiple submitters, no conflicts (2 of 4 stars). 2 submissions from 2 submitters: Uncertain significance (2). Last evaluated 2024-05-08.

Conditions:
Hereditary spastic paraplegia 30. Identifiers: Orphanet 101010, MedGen C5235139, MONDO:0012476.
Neuropathy, hereditary sensory, type 2C. Also called: Hereditary sensory and autonomic neuropathy type IIC; KIF1A-Related HSAN2 (HSAN2C). Identifiers: Orphanet 970, MedGen C3280168, MONDO:0013634, OMIM 614213.
Intellectual disability, autosomal dominant 9 (NESCAVS). Also called: KIF1A-Related Neurodevelopmental Disorder; NESCAV SYNDROME. Identifiers: Orphanet 662367, MedGen C5393830, MONDO:0013656, OMIM 614255.

Allele frequency attached by ClinVar (database versions not stated): gnomAD exomes below 0.00001.
gnomAD v4.1: 5 of 1,605,506 alleles (0.00031%); highest among the groups gnomAD compares: Non-Finnish European, 0.00042%; no homozygotes.

Submissions (2):

Labcorp Genetics (formerly Invitae), Labcorp
Classification: Uncertain significance for Hereditary spastic paraplegia 30; Neuropathy, hereditary sensory, type 2C; Intellectual disability, autosomal dominant 9. Last evaluated: 2024-05-08. Review status: criteria provided, single submitter. Criteria: Invitae Variant Classification Sherloc (09022015). Collection method: clinical testing. Allele origin: germline.
Comment: This sequence change replaces alanine, which is neutral and non-polar, with valine, which is neutral and non-polar, at codon 1643 of the KIF1A protein (p.Ala1643Val). This variant is not present in population databases (gnomAD no frequency). This missense change has been observed in individual(s) with amyotrophic lateral sclerosis (PMID: 36284339). ClinVar contains an entry for this variant (Variation ID: 1441910). Advanced modeling of protein sequence and biophysical properties (such as structural, functional, and spatial information, amino acid conservation, physicochemical variation, residue mobility, and thermodynamic stability) performed at Invitae indicates that this missense variant is not expected to disrupt KIF1A protein function with a negative predictive value of 95%. Experimental studies have shown that this missense change affects KIF1A function (PMID: 36284339). In summary, the available evidence is currently insufficient to determine the role of this variant in disease. Therefore, it has been classified as a Variant of Uncertain Significance.

Blueprint Genetics
Classification: Uncertain significance. Last evaluated: 2020-12-15. Review status: criteria provided, single submitter. Criteria: ACMG Guidelines, 2015. Collection method: clinical testing. Allele origin: germline.

Literature cited by the submitters: PubMed 36284339 (cited by Labcorp Genetics (formerly Invitae), Labcorp).

NM_001244008.2(KIF1A):c.5231C>T (p.Ala1744Val)

Gene: KIF1A (kinesin family member 1A; minus strand). Cytogenetic location: 2q37.3.
Variant type: single nucleotide variant.
Coding change: c.5231C>T on transcript NM_001244008.2 (MANE Select); coding-DNA position 5231, C replaced by T.
Protein change: p.Ala1744Val; replaces alanine 1744 with valine.
Molecular consequence: missense variant.
Genome position (GRCh38, 1-based): chr2:240,718,152, G>A on the plus strand (C>T on the coding strand, the complement: KIF1A is on the minus strand). VCF-style: chr2-240718152-G-A. GRCh37 (hg19) VCF-style: chr2-241657569-G-A.
Other names: c.4955C>T, p.Ala1652Val (NM_001320705.2, NM_001379649.1); c.4982C>T, p.Ala1661Val (NM_001330289.2); c.5030C>T, p.Ala1677Val (NM_001330290.2, NM_001379648.1); c.5306C>T, p.Ala1769Val (NM_001379631.1); c.5207C>T, p.Ala1736Val (NM_001379632.1); c.5204C>T, p.Ala1735Val (NM_001379633.1, NM_001379645.1); c.5057C>T, p.Ala1686Val (NM_001379634.1); c.5054C>T, p.Ala1685Val (NM_001379635.1, NM_001379646.1); and 8 more; short protein forms A1660V, A1642V, A1643V, A1651V, A1686V, A1735V, A1744V, A1631V.
Identifiers: ClinVar variation 1441910 (VCV001441910.7), dbSNP rs1234122019, ClinGen allele CA351297604.